The following is an entry in ClinVar:

ClinVar aggregate classification (germline): Pathogenic (1 of 4 stars; one submission).

Conditions:
Myoclonic dystonia 11 (DYT11). Also called: DYT-SGCE; Myoclonic dystonia; Dystonia 11; Dystonia, alcohol responsive; Hereditary essential myoclonus; SGCE Myoclonus-Dystonia. Identifiers: Orphanet 36899, MedGen C1834570, MONDO:0008044, OMIM 159900.

Submission:

Molecular Genetics Laboratory, Motol Hospital
Classification: Pathogenic for Myoclonic dystonia 11. Last evaluated: 2025-06-23. Review status: criteria provided, single submitter. Criteria: ACMG Guidelines, 2015. Collection method: clinical testing. Allele origin: germline. Affected: yes. Observed: 4 variant alleles.
Comment: Detected as in the multiple affected individuals with myoclonus dystonia (DYT11) in a single family (PP1). Not present in gnomAD (v4.1.0), dbSNP or ClinVar (PM2). Rare splicing variants affecting the SGCE gene are documented as a molecular cause of autosomal dominant "myoclonus dystonia-11" (DYT11, MIM:15990; PMID:25868953;PMID:35340658;PMID:25209853). The deleterious effect of the variant c.663-3C>A on splicing was confirmed by RNA analysis (PP3, PS3). To conclude, the variant is classified as pathogenic (ACMG PM2, PP1, PS3, PP3).

Literature cited by the submitters: PubMed 25868953; PubMed 35340658; PubMed 25209853.

NM_003919.3(SGCE):c.663-3C>A

Genes: CASD1 (CAS1 domain sialic acid O acetyltransferase 1; plus strand), SGCE (sarcoglycan epsilon; minus strand). Cytogenetic location: 7q21.3.
Variant type: single nucleotide variant.
Coding change: c.663-3C>A on transcript NM_003919.3 (MANE Select); 3 bases into the intron before coding-DNA position 663, C replaced by A.
Molecular consequence: intron variant.
Genome position (GRCh38, 1-based): chr7:94,603,455, G>T on the plus strand (C>A on the coding strand, the complement: SGCE is on the minus strand). VCF-style: chr7-94603455-G-T. GRCh37 (hg19) VCF-style: chr7-94232767-G-T.
Other names: c.540-3C>A (NM_001362809.2, NM_001301139.2); c.663-3C>A (NM_001346717.2, NM_001099400.2, NM_001099401.2); c.771-3C>A (NM_001346715.2, NM_001346713.2); c.576-3C>A (NM_001362807.2, NM_001346719.2); c.390-3C>A (NM_001362808.2, NM_001346720.2).
Identifiers: ClinVar variation 3912069 (VCV003912069.1).
Genomic context (GRCh38, chr7:94,603,455, plus strand): 5'-TTCAACTTCTCGTAAACAAGAAGAAAACGGGACATCTGCACCAACCATGACATAAACGCT[G>T]TAAAAATGTGAAACTCTCAGGTTATCCTTTAAGAAAATTGAAAACACTAAAAAACAATCC-3'